The following is an entry in ClinVar:

ClinVar aggregate classification (germline): Conflicting classifications of pathogenicity. Review status: criteria provided, conflicting classifications (1 of 4 stars). 15 submissions from 13 submitters: Uncertain significance (2); Benign (3); Likely benign (8). 2 of the submissions do not count toward it. Last evaluated 2026-02-04.

Conditions:
Myosin storage myopathy (CMYO7A). Also called: MYOPATHY WITH LYSIS OF TYPE I MYOFIBRILS; MYOPATHY, HYALINE BODY, AUTOSOMAL DOMINANT; SCAPULOPERONEAL MUSCULAR DYSTROPHY; SCAPULOPERONEAL SYNDROME, MYOPATHIC TYPE; MYH7-related late-onset scapuloperoneal muscular dystrophy; Congenital myopathy 7A, myosin storage, autosomal dominant. Identifiers: Orphanet 437572, Orphanet 636965, MedGen C1842160, MONDO:0008409, OMIM 608358.
Cardiovascular phenotype. Identifiers: MedGen CN230736.
Cardiomyopathy (CMYO). Also called: Cardiomyopathies. Identifiers: Orphanet 167848, MedGen C0878544, MONDO:0004994, HP:0001638. Inheritance: Various modes of inheritance.
Hypertrophic cardiomyopathy 1 (CMH1). Also called: Familial hypertrophic cardiomyopathy 1; MYH7-Related Familial Hypertrophic Cardiomyopathy. Identifiers: MedGen C3495498, MONDO:0008647, OMIM 192600.
MYH7-related skeletal myopathy. Also called: Myopathy, distal, 1; Laing distal myopathy; MYOPATHY, DISTAL, EARLY-ONSET, AUTOSOMAL DOMINANT; MYOPATHY, LATE DISTAL HEREDITARY; Laing early-onset distal myopathy. Identifiers: Orphanet 59135, MedGen C4552004, MONDO:0008050, OMIM 160500.
Hypertrophic cardiomyopathy. Also called: HYPERTROPHIC MYOCARDIOPATHY. Identifiers: Orphanet 217569, MedGen C0007194, MeSH D002312, MONDO:0005045, HP:0001639.

Allele frequency attached by ClinVar (database versions not stated): TOPMed 0.00018; 1000 Genomes Project 30x 0.00078; 1000 Genomes Project 0.00080.
gnomAD v4.1: 164 of 1,614,192 alleles (0.01%); highest among the groups gnomAD compares: Middle Eastern, 0.099%; no homozygotes.

Submissions (15):

Labcorp Genetics (formerly Invitae), Labcorp
Classification: Likely benign for Hypertrophic cardiomyopathy. Last evaluated: 2026-02-04. Review status: criteria provided, single submitter. Criteria: Invitae Variant Classification Sherloc (09022015). Collection method: clinical testing. Allele origin: germline.

CeGaT Center for Human Genetics Tuebingen
Classification: Likely benign. Last evaluated: 2026-01-01. Review status: criteria provided, single submitter. Criteria: CeGaT Center For Human Genetics Tuebingen Variant Classification Criteria Version 2. Collection method: clinical testing. Allele origin: germline. Affected: yes. Observed: 3 variant alleles.
Comment: MYH7: BP4, BP7

Molecular Diagnostic Laboratory for Inherited Cardiovascular Disease, Montreal Heart Institute
Classification: Benign. Last evaluated: 2025-04-09. Review status: criteria provided, single submitter. Criteria: ACMG Guidelines, 2015. Collection method: clinical testing. Allele origin: germline. Affected: no.

Blueprint Genetics
Classification: Likely benign. Last evaluated: 2024-06-27. Review status: criteria provided, single submitter. Criteria: ACMG Guidelines, 2015. Collection method: clinical testing. Allele origin: germline.

All of Us Research Program, National Institutes of Health
Classification: Likely benign for Cardiomyopathy. Last evaluated: 2024-01-11. Review status: criteria provided, single submitter. Criteria: ACMG Guidelines, 2015. Collection method: clinical testing. Allele origin: germline. Inheritance: Autosomal dominant inheritance. Observed: 48 variant alleles, 48 heterozygotes.
Comment: This study involves interpretation of variants in research participants for the purpose of population health screening. Participant phenotype was not available at the time of variant classification. Additional details can be found in publication PMID: 35346344, PMCID: PMC8962531

CHEO Genetics Diagnostic Laboratory, Children's Hospital of Eastern Ontario
Classification: Likely benign for Cardiomyopathy. Last evaluated: 2022-08-31. Review status: criteria provided, single submitter. Criteria: ACMG Guidelines, 2015. Collection method: clinical testing. Allele origin: germline.

Color Diagnostics, LLC DBA Color Health
Classification: Likely benign for Cardiomyopathy. Last evaluated: 2018-05-12. Review status: criteria provided, single submitter. Criteria: ACMG Guidelines, 2015. Collection method: clinical testing. Allele origin: germline.

Illumina Laboratory Services, Illumina
Classification: Uncertain significance for Hypertrophic cardiomyopathy 1. Last evaluated: 2018-01-12. Review status: criteria provided, single submitter. Criteria: ICSL Variant Classification Criteria 13 December 2019. Collection method: clinical testing. Allele origin: germline.

Illumina Laboratory Services, Illumina
Classification: Uncertain significance for Myosin storage myopathy. Last evaluated: 2018-01-12. Review status: criteria provided, single submitter. Criteria: ICSL Variant Classification Criteria 13 December 2019. Collection method: clinical testing. Allele origin: germline.

Illumina Laboratory Services, Illumina
Classification: Benign for MYH7-related skeletal myopathy. Last evaluated: 2018-01-12. Review status: criteria provided, single submitter. Criteria: ICSL Variant Classification Criteria 13 December 2019. Collection method: clinical testing. Allele origin: germline.
Comment: This variant was observed in the ICSL laboratory as part of a predisposition screen in an ostensibly healthy population. It had not been previously curated by ICSL or reported in the Human Gene Mutation Database (HGMD: prior to June 1st, 2018), and was therefore a candidate for classification through an automated scoring system. Utilizing variant allele frequency, disease prevalence and penetrance estimates, and inheritance mode, an automated score was calculated to assess if this variant is too frequent to cause the disease. Based on the score and internal cut-off values, a variant classified as benign is not then subjected to further curation. The score for this variant resulted in a classification of benign for this disease.

Ambry Genetics
Classification: Likely benign for Cardiovascular phenotype. Last evaluated: 2016-07-20. Review status: criteria provided, single submitter. Criteria: Ambry Variant Classification Scheme 2023. Collection method: clinical testing. Allele origin: germline.

GeneDx
Classification: Benign. Last evaluated: 2015-03-03. Review status: criteria provided, single submitter. Criteria: GeneDx Variant Classification Process June 2021. Collection method: clinical testing. Allele origin: germline. Affected: yes.

Laboratory for Molecular Medicine, Mass General Brigham Personalized Medicine
Classification: Likely benign. Last evaluated: 2012-10-16. Review status: criteria provided, single submitter. Criteria: LMM Criteria. Collection method: clinical testing. Allele origin: germline. Observed: 3 variant alleles.
Comment: Ile585Ile in exon 16 of MYH7: This variant is not expected to have clinical sign ificance because it does not alter an amino acid residue and is not located with in the splice consensus sequence. It has been identified in 1/110 chromosomes fr om the Puerto Rico population by the 1000 Genomes Sequencing Project (dbSNP rs20 1860580).

Clinical Genetics, Academic Medical Center
Classification: Benign. Review status: no assertion criteria provided. Collection method: clinical testing. Allele origin: germline. Affected: yes. Study: VKGL Data-share Consensus. Not counted in ClinVar's aggregate classification.

Joint Genome Diagnostic Labs from Nijmegen and Maastricht, Radboudumc and MUMC+
Classification: Likely benign. Review status: no assertion criteria provided. Collection method: clinical testing. Allele origin: germline. Affected: yes. Study: VKGL Data-share Consensus. Not counted in ClinVar's aggregate classification.

NM_000257.4(MYH7):c.1755C>A (p.Ile585=)

Gene: MYH7 (myosin heavy chain 7; minus strand). Cytogenetic location: 14q11.2.
Variant type: single nucleotide variant.
Coding change: c.1755C>A on transcript NM_000257.4 (MANE Select); coding-DNA position 1755, C replaced by A.
Protein change: p.Ile585=; no amino-acid change (isoleucine 585 retained).
Molecular consequence: synonymous variant.
Genome position (GRCh38, 1-based): chr14:23,427,718, G>T on the plus strand (C>A on the coding strand, the complement: MYH7 is on the minus strand). VCF-style: chr14-23427718-G-T. GRCh37 (hg19) VCF-style: chr14-23896927-G-T.
Identifiers: ClinVar variation 42863 (VCV000042863.68), dbSNP rs201860580, ClinGen allele CA011195.
Genomic context (GRCh38, chr14:23,427,718, plus strand): 5'-GACAGTCTCATTGAGAGGATCCTTGTTCTTCTGCAGCCAGCCAATGATGTTGTAGTCCAC[G>T]ATGCCGGCATAGTGGATCAGGGAGAAGTGGGCTTCAGGCTTCCCCTTGATATTGCGTGGC-3'
Protein context (NP_000248.2, residues 575-595): AHFSLIHYAG[Ile585=]VDYNIIGWLQ